The following is an entry in ClinVar:

NM_007194.4(CHEK2):c.927G>A (p.Leu309=)

Gene: CHEK2 (checkpoint kinase 2; minus strand). Cytogenetic location: 22q12.1.
Variant type: single nucleotide variant.
Coding change: c.927G>A on transcript NM_007194.4 (MANE Select); coding-DNA position 927, G replaced by A.
Protein change: p.Leu309=; no amino-acid change (leucine 309 retained).
Molecular consequence: synonymous variant.
Genome position (GRCh38, 1-based): chr22:28,699,919, C>T on the plus strand (G>A on the coding strand, the complement: CHEK2 is on the minus strand). VCF-style: chr22-28699919-C-T. GRCh37 (hg19) VCF-style: chr22-29095907-C-T.
Other names: c.1056G>A, p.Leu352= (NM_001005735.3); c.264G>A, p.Leu88= (NM_001257387.3); c.726G>A, p.Leu242= (NM_001349956.3); c.927G>A, p.Leu309= (NM_145862.3).
Identifiers: ClinVar variation 1658016 (VCV001658016.12), dbSNP rs746952353, ClinGen allele CA513945052.

ClinVar aggregate classification (germline): Benign/Likely benign. Review status: criteria provided, multiple submitters, no conflicts (2 of 4 stars). 3 submissions from 3 submitters: Benign (1); Likely benign (2). Last evaluated 2025-02-23.

Conditions:
Hereditary cancer-predisposing syndrome. Also called: Tumor predisposition; Hereditary neoplastic syndrome; Neoplastic Syndromes, Hereditary; Hereditary Cancer Syndrome. Identifiers: Orphanet 140162, MedGen C0027672, MeSH D009386, MONDO:0015356.
Familial cancer of breast. Also called: Hereditary breast cancer; BREAST CANCER, FAMILIAL; hereditary breast carcinoma. Identifiers: Orphanet 227535, MedGen C0346153, MONDO:0016419, OMIM 114480. Disease mechanism: loss of function.

Submissions (3):

Labcorp Genetics (formerly Invitae), Labcorp
Classification: Likely benign for Familial cancer of breast. Last evaluated: 2025-02-23. Review status: criteria provided, single submitter. Criteria: Invitae Variant Classification Sherloc (09022015). Collection method: clinical testing. Allele origin: germline.

Myriad Genetics, Inc.
Classification: Benign for Familial cancer of breast. Last evaluated: 2024-10-04. Review status: criteria provided, single submitter. Criteria: Myriad Autosomal Dominant, Autosomal Recessive and X-Linked Classification Criteria (2023). Collection method: clinical testing. Allele origin: unknown.
Comment: This variant is considered benign. This variant is a silent/synonymous amino acid change and it is not expected to impact splicing.

Ambry Genetics
Classification: Likely benign for Hereditary cancer-predisposing syndrome. Last evaluated: 2020-11-22. Review status: criteria provided, single submitter. Criteria: Ambry Variant Classification Scheme 2023. Collection method: clinical testing. Allele origin: germline.